The following is an entry in ClinVar:

NM_005245.4(FAT1):c.12165G>A (p.Pro4055=)

Gene: FAT1 (FAT atypical cadherin 1; minus strand). Cytogenetic location: 4q35.2.
Variant type: single nucleotide variant.
Coding change: c.12165G>A on transcript NM_005245.4 (MANE Select); coding-DNA position 12165, G replaced by A.
Protein change: p.Pro4055=; no amino-acid change (proline 4055 retained).
Molecular consequence: synonymous variant.
Genome position (GRCh38, 1-based): chr4:186,598,064, C>T on the plus strand (G>A on the coding strand, the complement: FAT1 is on the minus strand). VCF-style: chr4-186598064-C-T. GRCh37 (hg19) VCF-style: chr4-187519218-C-T.
Other names: c.12165G>A, p.Pro4055= (NM_001440455.1, NM_001440456.1, NM_001440457.1).
Identifiers: ClinVar variation 4978162 (VCV004978162.1).
Genomic context (GRCh38, chr4:186,598,064, plus strand): 5'-AACAAAGCCTCCGTTGTCGACAACACACGTGCCCCCATAGAGGCATGGCTTGGAGGAACA[C>T]GGATTGACGCTTATCTCACAGTGGGTCCCTATGTACAAGGCACTGCATTTGCAGTAATAA-3'
Protein context (NP_005236.2, residues 4045-4065): IGTHCEISVN[Pro4055=]CSSKPCLYGG

ClinVar aggregate classification (germline): Likely benign (1 of 4 stars; one submission).

Conditions:
FAT1-related disorder. Also called: FAT1-related condition.

gnomAD v4.1: 15 of 1,613,864 alleles (0.00093%); highest among the groups gnomAD compares: African/African-American, 0.012%; no homozygotes.

Submission:

PreventionGenetics, part of Exact Sciences
Classification: Likely benign for FAT1-related condition. Last evaluated: 2026-06-29. Review status: criteria provided, single submitter. Criteria: ACMG Guidelines, 2015. Collection method: clinical testing. Allele origin: germline.
Comment: This variant is classified as likely benign based on ACMG/AMP sequence variant interpretation guidelines (Richards et al. 2015 PMID: 25741868, with internal and published modifications).